The following is an entry in ClinVar:

NM_004415.4(DSP):c.2986-42T>A

Gene: DSP (desmoplakin; plus strand). Cytogenetic location: 6p24.3.
Variant type: single nucleotide variant.
Coding change: c.2986-42T>A on transcript NM_004415.4 (MANE Select); 42 bases into the intron before coding-DNA position 2986, T replaced by A.
Molecular consequence: intron variant.
Genome position (GRCh38, 1-based): chr6:7,578,422, T>A. VCF-style: chr6-7578422-T-A. GRCh37 (hg19) VCF-style: chr6-7578655-T-A.
Other names: c.2986-42T>A (NM_001319034.2, NM_001008844.3).
Identifiers: ClinVar variation 673319 (VCV000673319.1), dbSNP rs542626046, ClinGen allele CA036412.

ClinVar aggregate classification (germline): Likely benign (1 of 4 stars; one submission).

Allele frequency attached by ClinVar (database versions not stated): gnomAD 0.00001 and 0.00030; TOPMed 0.00004; gnomAD exomes 0.00067 and 0.00148; ExAC 0.00169; 1000 Genomes Project 30x 0.00265; 1000 Genomes Project 0.00300.
gnomAD v4.1: 967 of 1,542,722 alleles (0.063%); highest among the groups gnomAD compares: South Asian, 1%; 20 homozygotes.

Submission:

GeneDx
Classification: Likely benign. Last evaluated: 2018-06-15. Review status: criteria provided, single submitter. Criteria: GeneDx Variant Classification (06012015). Collection method: clinical testing. Allele origin: germline. Affected: yes.
Comment: This variant is considered likely benign or benign based on one or more of the following criteria: it is a conservative change, it occurs at a poorly conserved position in the protein, it is predicted to be benign by multiple in silico algorithms, and/or has population frequency not consistent with disease.